The following is an entry in ClinVar:

ClinVar aggregate classification (germline): Benign/Likely benign. Review status: criteria provided, multiple submitters, no conflicts (2 of 4 stars). 6 submissions from 6 submitters: Benign (3); Likely benign (2). 1 of the submissions does not count toward it. Last evaluated 2026-02-02.

Conditions:
Hereditary angioedema type 1 (HAE1). Identifiers: Orphanet 100050, Orphanet 100051, Orphanet 91378, MedGen C2717906, MONDO:0015053, OMIM 106100.

Allele frequency attached by ClinVar (database versions not stated): ESP Exome Variant Server 0.00008; gnomAD 0.00029 and 0.00056; gnomAD exomes 0.00043 and 0.00109; TOPMed 0.00081; ExAC 0.00116; 1000 Genomes Project 30x 0.00390; 1000 Genomes Project 0.00419.
gnomAD v4.1: 754 of 1,613,500 alleles (0.047%); highest among the groups gnomAD compares: East Asian, 1.3%; 5 homozygotes.

Submissions (6):

Labcorp Genetics (formerly Invitae), Labcorp
Classification: Benign. Last evaluated: 2026-02-02. Review status: criteria provided, single submitter. Criteria: Invitae Variant Classification Sherloc (09022015). Collection method: clinical testing. Allele origin: germline.

Women's Health and Genetics/Laboratory Corporation of America, LabCorp
Classification: Likely benign. Last evaluated: 2026-01-23. Review status: criteria provided, single submitter. Criteria: LabCorp Variant Classification Summary - May 2015. Collection method: clinical testing. Allele origin: germline.

Blueprint Genetics
Classification: Likely benign. Last evaluated: 2024-11-27. Review status: criteria provided, single submitter. Criteria: ACMG Guidelines, 2015. Collection method: clinical testing. Allele origin: germline.

GeneDx
Classification: Benign. Last evaluated: 2020-06-03. Review status: criteria provided, single submitter. Criteria: GeneDx Variant Classification Process June 2021. Collection method: clinical testing. Allele origin: germline. Affected: yes.

Illumina Laboratory Services, Illumina
Classification: Benign for Hereditary angioedema type 1. Last evaluated: 2018-01-12. Review status: criteria provided, single submitter. Criteria: ICSL Variant Classification Criteria 13 December 2019. Collection method: clinical testing. Allele origin: germline.
Comment: This variant was observed in the ICSL laboratory as part of a predisposition screen in an ostensibly healthy population. It had not been previously curated by ICSL or reported in the Human Gene Mutation Database (HGMD: prior to June 1st, 2018), and was therefore a candidate for classification through an automated scoring system. Utilizing variant allele frequency, disease prevalence and penetrance estimates, and inheritance mode, an automated score was calculated to assess if this variant is too frequent to cause the disease. Based on the score and internal cut-off values, a variant classified as benign is not then subjected to further curation. The score for this variant resulted in a classification of benign for this disease.

Peking Union Medical College Hospital
No classification provided. Review status: no classification provided. Collection method: not provided. Allele origin: somatic. Not counted in ClinVar's aggregate classification.
Comment: this variant was observed in both patients with hereditary angioedema and healthy controls.

NM_000062.3(SERPING1):c.686-9T>C

Gene: SERPING1 (serpin family G member 1; plus strand). Cytogenetic location: 11q12.1.
Variant type: single nucleotide variant.
Coding change: c.686-9T>C on transcript NM_000062.3 (MANE Select); 9 bases into the intron before coding-DNA position 686, T replaced by C.
Molecular consequence: intron variant.
Genome position (GRCh38, 1-based): chr11:57,606,001, T>C. VCF-style: chr11-57606001-T-C. GRCh37 (hg19) VCF-style: chr11-57373474-T-C.
Other names: c.686-9T>C (NM_001032295.2).
Identifiers: ClinVar variation 92194 (VCV000092194.19), dbSNP rs141593943, ClinGen allele CA220119.